The following is an entry in ClinVar:

ClinVar aggregate classification (germline): Pathogenic (1 of 4 stars; one submission).

Conditions:
Zellweger spectrum disorders (ZS). Also called: Zellweger Spectrum Disorder (ZSD); Zellweger syndrome; Zellweger Spectrum Disorder; Zellweger Spectrum. Identifiers: Orphanet 912, MedGen C0043459, MONDO:0019609.

Submission:

Labcorp Genetics (formerly Invitae), Labcorp
Classification: Pathogenic for Zellweger spectrum disorders. Last evaluated: 2020-08-21. Review status: criteria provided, single submitter. Criteria: Invitae Variant Classification Sherloc (09022015). Collection method: clinical testing. Allele origin: germline.
Comment: For these reasons, this variant has been classified as Pathogenic. Loss-of-function variants in PEX1 are known to be pathogenic (PMID: 9398847, 16086329, 16141001, 21031596). This variant has not been reported in the literature in individuals with PEX1-related conditions. This variant is not present in population databases (ExAC no frequency). This sequence change creates a premature translational stop signal (p.Glu486*) in the PEX1 gene. It is expected to result in an absent or disrupted protein product.

Literature cited by the submitters: PubMed 9398847; PubMed 16086329; PubMed 16141001; PubMed 21031596.

NM_000466.3(PEX1):c.1456G>T (p.Glu486Ter)

Gene: PEX1 (peroxisomal biogenesis factor 1; minus strand). Cytogenetic location: 7q21.2.
Variant type: single nucleotide variant.
Coding change: c.1456G>T on transcript NM_000466.3 (MANE Select); coding-DNA position 1456, G replaced by T.
Protein change: p.Glu486Ter; replaces glutamic acid 486 with a stop codon.
Molecular consequence: nonsense.
Genome position (GRCh38, 1-based): chr7:92,511,607, C>A on the plus strand (G>T on the coding strand, the complement: PEX1 is on the minus strand). VCF-style: chr7-92511607-C-A. GRCh37 (hg19) VCF-style: chr7-92140921-C-A.
Other names: c.1456G>T, p.Glu486Ter (NM_001282677.2); c.832G>T, p.Glu278Ter (NM_001282678.2); short protein forms E278*, E486*.
Identifiers: ClinVar variation 1068549 (VCV001068549.7), dbSNP rs2116209376, ClinGen allele CA368190734.